The following is an entry in ClinVar:

ClinVar aggregate classification (germline): Conflicting classifications of pathogenicity. Review status: criteria provided, conflicting classifications (1 of 4 stars). 6 submissions from 6 submitters: Uncertain significance (4); Likely benign (2). Last evaluated 2026-01-23.

Conditions:
RYR1-related disorder. Also called: RYR1-related condition; RYR1-related disorders. Identifiers: MedGen CN239331.
Malignant hyperthermia, susceptibility to, 1 (MHS1). Also called: RYR1-Related Malignant Hyperthermia Susceptibility; Malignant hyperthermia suceptibility 1; Anesthesia related hyperthermia; Malignant hyperpyrexia; Fulminating hyperpyrexia; Pharmacogenic myopathy. Identifiers: Orphanet 423, MedGen C2930980, MONDO:0007783, OMIM 145600.

Allele frequency attached by ClinVar (database versions not stated): gnomAD exomes 0.00008 and 0.00015; ExAC 0.00018; gnomAD 0.00041 and 0.00042; TOPMed 0.00043; ESP Exome Variant Server 0.00054; 1000 Genomes Project 30x 0.00078; 1000 Genomes Project 0.00080.
gnomAD v4.1: 184 of 1,614,010 alleles (0.011%); highest among the groups gnomAD compares: African/African-American, 0.14%; no homozygotes.

Submissions (6):

Labcorp Genetics (formerly Invitae), Labcorp
Classification: Likely benign for RYR1-related disorder. Last evaluated: 2026-01-23. Review status: criteria provided, single submitter. Criteria: Invitae Variant Classification Sherloc (09022015). Collection method: clinical testing. Allele origin: germline.

Revvity Omics, Revvity
Classification: Uncertain significance. Last evaluated: 2025-05-27. Review status: criteria provided, single submitter. Criteria: ACMG Guidelines, 2015. Collection method: clinical testing. Allele origin: germline.

Blueprint Genetics
Classification: Uncertain significance. Last evaluated: 2024-10-24. Review status: criteria provided, single submitter. Criteria: ACMG Guidelines, 2015. Collection method: clinical testing. Allele origin: germline.

GeneDx
Classification: Uncertain significance. Last evaluated: 2023-07-02. Review status: criteria provided, single submitter. Criteria: GeneDx Variant Classification Process June 2021. Collection method: clinical testing. Allele origin: germline. Affected: yes.
Comment: Reported as a secondary finding via exome sequencing in two patients reported to have either developmental delay or chronic constipation (Chetruengchai et al., 2022); In silico analysis supports that this missense variant has a deleterious effect on protein structure/function; This variant is associated with the following publications: (PMID: 12668474, 34621001)

Color Diagnostics, LLC DBA Color Health
Classification: Likely benign for Malignant hyperthermia, susceptibility to, 1. Last evaluated: 2023-01-05. Review status: criteria provided, single submitter. Criteria: ACMG Guidelines, 2015. Collection method: clinical testing. Allele origin: germline.

PreventionGenetics, part of Exact Sciences
Classification: Uncertain significance for RYR1-related condition. Last evaluated: 2023-01-05. Review status: criteria provided, single submitter. Criteria: ACMG Guidelines, 2015. Collection method: clinical testing. Allele origin: germline.
Comment: The RYR1 c.8671A>C variant is predicted to result in the amino acid substitution p.Lys2891Gln. This variant was observed in 2 individuals with RYR1 unrelated conditions and assessed as variant of unknown significance (Chetruengchai et al 2022. PubMed ID: 34621001 STable1). This variant is reported in 0.14% of alleles in individuals of African descent in gnomAD. Although we suspect that this variant may be benign, at this time, the clinical significance of this variant is uncertain due to the absence of conclusive functional and genetic evidence.

NM_000540.3(RYR1):c.8671A>C (p.Lys2891Gln)

Gene: RYR1 (ryanodine receptor 1; plus strand). Cytogenetic location: 19q13.2.
Variant type: single nucleotide variant.
Coding change: c.8671A>C on transcript NM_000540.3 (MANE Select); coding-DNA position 8671, A replaced by C.
Protein change: p.Lys2891Gln; replaces lysine 2891 with glutamine.
Molecular consequence: missense variant.
Genome position (GRCh38, 1-based): chr19:38,506,525, A>C. VCF-style: chr19-38506525-A-C. GRCh37 (hg19) VCF-style: chr19-38997165-A-C.
Other names: c.8671A>C, p.Lys2891Gln (NM_001042723.2); short protein forms K2891Q.
Identifiers: ClinVar variation 544391 (VCV000544391.21), dbSNP rs146793133, ClinGen allele CA072462.